The following is an entry in ClinVar:

NM_003640.5(ELP1):c.1320T>A (p.Ala440=)

Gene: ELP1 (elongator acetyltransferase complex subunit 1; minus strand). Cytogenetic location: 9q31.3.
Variant type: single nucleotide variant.
Coding change: c.1320T>A on transcript NM_003640.5 (MANE Select); coding-DNA position 1320, T replaced by A.
Protein change: p.Ala440=; no amino-acid change (alanine 440 retained).
Molecular consequence: synonymous variant.
Genome position (GRCh38, 1-based): chr9:108,911,050, A>T on the plus strand (T>A on the coding strand, the complement: ELP1 is on the minus strand). VCF-style: chr9-108911050-A-T. GRCh37 (hg19) VCF-style: chr9-111673330-A-T.
Other names: c.978T>A, p.Ala326= (NM_001318360.2); c.273T>A, p.Ala91= (NM_001330749.2).
Identifiers: ClinVar variation 705521 (VCV000705521.13), dbSNP rs745616203, ClinGen allele CA5175057.

ClinVar aggregate classification (germline): Likely benign. Review status: criteria provided, multiple submitters, no conflicts (2 of 4 stars). 3 submissions from 3 submitters: Likely benign (2). 1 of the submissions does not count toward it. Last evaluated 2026-04-01.

Conditions:
Familial dysautonomia. Also called: HSAN III; FD. Identifiers: Orphanet 1764, MedGen C0013364, MONDO:0009131, OMIM 223900. Disease mechanism: loss of function.

Allele frequency attached by ClinVar (database versions not stated): gnomAD 0.00001; TOPMed 0.00003; gnomAD exomes 0.00004 and 0.00008; ExAC 0.00010.
gnomAD v4.1: 23 of 1,614,088 alleles (0.0014%); highest among the groups gnomAD compares: Admixed American, 0.038%; no homozygotes.

Submissions (3):

CeGaT Center for Human Genetics Tuebingen
Classification: Likely benign. Last evaluated: 2026-04-01. Review status: criteria provided, single submitter. Criteria: CeGaT Center For Human Genetics Tuebingen Variant Classification Criteria Version 2. Collection method: clinical testing. Allele origin: germline. Affected: yes. Observed: 1 variant allele.
Comment: ELP1: BP4, BP7

Labcorp Genetics (formerly Invitae), Labcorp
Classification: Likely benign. Last evaluated: 2023-11-05. Review status: criteria provided, single submitter. Criteria: Invitae Variant Classification Sherloc (09022015). Collection method: clinical testing. Allele origin: germline.

Natera, Inc.
Classification: Likely benign for Familial dysautonomia. Last evaluated: 2020-11-04. Review status: no assertion criteria provided. Collection method: clinical testing. Allele origin: germline. Not counted in ClinVar's aggregate classification.